The following is an entry in ClinVar:

NM_016306.6(DNAJB11):c.3G>A (p.Met1Ile)

Genes: DNAJB11 (DnaJ heat shock protein family (Hsp40) member B11; plus strand), LOC129938103 (ATAC-STARR-seq lymphoblastoid silent region 14987; plus strand). Cytogenetic location: 3q27.3.
Variant type: single nucleotide variant.
Coding change: c.3G>A on transcript NM_016306.6 (MANE Select); coding-DNA position 3, G replaced by A.
Protein change: p.Met1Ile; changes the start codon (methionine 1).
Molecular consequence: missense variant, initiator codon variant. On other transcripts: non-coding transcript variant (6).
Genome position (GRCh38, 1-based): chr3:186,570,900, G>A. VCF-style: chr3-186570900-G-A. GRCh37 (hg19) VCF-style: chr3-186288689-G-A.
Other names: c.3G>A, p.Met1Ile (NM_001378451.1); short protein forms M1I.
Identifiers: ClinVar variation 4818744 (VCV004818744.1).

ClinVar aggregate classification (germline): Pathogenic (1 of 4 stars; one submission).

Conditions:
Autosomal dominant polycystic kidney disease. Identifiers: Orphanet 730, MedGen C0085413, MONDO:0004691.

Submission:

Mayo Translational Polycystic Kidney Disease Center, Mayo Clinic
Classification: Pathogenic for Autosomal dominant polycystic kidney disease. Last evaluated: 2026-01-30. Review status: criteria provided, single submitter. Criteria: ACMG Guidelines, 2015. Collection method: research. Allele origin: germline. Inheritance: Autosomal dominant inheritance. Affected: yes.
Comment: The c.3G>A variant in the DNAJB11 gene results in loss of the canonical start codon (p.Met1?). This alteration is predicted to abolish normal translation initiation, and no alternative in-frame start codon is present in the gene, consistent with a loss-of-function effect and meeting the PVS1 criterion. The variant is absent from the gnomAD v4.1.0 population database, supporting PM2. It has been observed in multiple affected individuals from two families with end-stage renal disease and polycystic kidney disease, providing support for segregation and phenotype consistency (PP1 and PP4; PMID: 32631624).

Literature cited by the submitters: PubMed 32631624.